The following is an entry in ClinVar:

NM_000278.5(PAX2):c.89G>A (p.Gly30Asp)

Gene: PAX2 (paired box 2; plus strand). Cytogenetic location: 10q24.31.
Variant type: single nucleotide variant.
Coding change: c.89G>A on transcript NM_000278.5 (MANE Select); coding-DNA position 89, G replaced by A.
Protein change: p.Gly30Asp; replaces glycine 30 with aspartic acid.
Molecular consequence: missense variant.
Genome position (GRCh38, 1-based): chr10:100,749,791, G>A. VCF-style: chr10-100749791-G-A. GRCh37 (hg19) VCF-style: chr10-102509548-G-A.
Other names: c.182G>A, p.Gly61Asp (NM_001304569.2); c.89G>A, p.Gly30Asp (NM_003987.5, NM_003988.5, NM_003989.5 and 1 more transcripts); short protein forms G30D, G61D.
Identifiers: ClinVar variation 3252667 (VCV003252667.2), dbSNP rs2492892800.

ClinVar aggregate classification (germline): Uncertain significance. Review status: criteria provided, multiple submitters, no conflicts (2 of 4 stars). 2 submissions from 2 submitters: Uncertain significance (2). Last evaluated 2024-01-17.

Conditions:
Focal segmental glomerulosclerosis 7 (FSGS7). Identifiers: Orphanet 656, MedGen C4014925, MONDO:0014451, OMIM 616002.
Renal coloboma syndrome (PAPRS). Also called: PAPILLORENAL SYNDROME; COLOBOMA OF OPTIC NERVE WITH RENAL DISEASE; OPTIC COLOBOMA, VESICOURETERAL REFLUX, AND RENAL ANOMALIES; OPTIC NERVE COLOBOMA WITH RENAL DISEASE; RENAL-COLOBOMA SYNDROME WITH MACULAR ABNORMALITIES; CONGENITAL ANOMALIES OF THE KIDNEY AND URINARY TRACT WITH OR WITHOUT OCULAR ABNORMALITIES. Identifiers: Orphanet 1475, MedGen C1852759, MONDO:0007352, OMIM 120330.

Submissions (2):

Fulgent Genetics
Classification: Uncertain significance for Renal coloboma syndrome; Focal segmental glomerulosclerosis 7. Last evaluated: 2024-01-17. Review status: criteria provided, single submitter. Criteria: ACMG Guidelines, 2015. Collection method: clinical testing. Allele origin: germline.

GeneDx
Classification: Uncertain significance. Last evaluated: 2023-10-05. Review status: criteria provided, single submitter. Criteria: GeneDx Variant Classification Process June 2021. Collection method: clinical testing. Allele origin: germline. Affected: yes.
Comment: Not observed at significant frequency in large population cohorts (gnomAD); In silico analysis supports that this missense variant has a deleterious effect on protein structure/function; Has not been previously published as pathogenic or benign to our knowledge